The following is an entry in ClinVar:

NM_001042492.3(NF1):c.2899dup (p.Ile967fs)

Gene: NF1 (neurofibromin 1; plus strand). Cytogenetic location: 17q11.2.
Variant type: Duplication.
Coding change: c.2899dup on transcript NM_001042492.3 (MANE Select); coding-DNA position 2899, one base duplicated (A; older notation c.2899dupA).
Protein change: p.Ile967fs; shifts the reading frame from isoleucine 967.
Molecular consequence: frameshift variant.
Genome position (GRCh38, 1-based): chr17:31,229,883, A duplicated. VCF-style (leftmost placement, unchanged base first): chr17-31229882-T-TA. GRCh37 (hg19) VCF-style: chr17-29556900-T-TA.
Other names: c.2899dup, p.Ile967Asnfs (NM_000267.4); short protein forms I967fs.
Identifiers: ClinVar variation 1074763 (VCV001074763.5), dbSNP rs2151430620, ClinGen allele CA2499224072.

ClinVar aggregate classification (germline): Pathogenic (1 of 4 stars; one submission).

Conditions:
Neurofibromatosis, type 1 (NF1). Also called: VON RECKLINGHAUSEN DISEASE; Peripheral type neurofibromatosis; NEUROFIBROMATOSIS, TYPE I, SOMATIC; Neurofibromatosis, type I. Identifiers: Orphanet 636, MedGen C0027831, MONDO:0018975, OMIM 162200. Disease mechanism: loss of function.

Submission:

Labcorp Genetics (formerly Invitae), Labcorp
Classification: Pathogenic for Neurofibromatosis, type 1. Last evaluated: 2020-09-09. Review status: criteria provided, single submitter. Criteria: Invitae Variant Classification Sherloc (09022015). Collection method: clinical testing. Allele origin: germline.
Comment: For these reasons, this variant has been classified as Pathogenic. Loss-of-function variants in NF1 are known to be pathogenic (PMID: 10712197, 23913538). This variant has not been reported in the literature in individuals with NF1-related conditions. This variant is not present in population databases (ExAC no frequency). This sequence change creates a premature translational stop signal (p.Ile967Asnfs*8) in the NF1 gene. It is expected to result in an absent or disrupted protein product.

Literature cited by the submitters: PubMed 10712197; PubMed 23913538.